The following is an entry in ClinVar:

ClinVar aggregate classification (germline): Uncertain significance. Review status: criteria provided, multiple submitters, no conflicts (2 of 4 stars). 3 submissions from 3 submitters: Uncertain significance (3). Last evaluated 2025-08-07.

Conditions:
Immunodeficiency 51 (IMD51). Also called: CANDIDIASIS, FAMILIAL, 5. Identifiers: Orphanet 1334, MedGen C4310803, MONDO:0013500, OMIM 613953.

Allele frequency attached by ClinVar (database versions not stated): gnomAD 0.00001; TOPMed 0.00001; gnomAD exomes 0.00003 and 0.00008; ExAC 0.00012.

Submissions (3):

Ambry Genetics
Classification: Uncertain significance. Last evaluated: 2025-08-07. Review status: criteria provided, single submitter. Criteria: Ambry Variant Classification Scheme 2023. Collection method: clinical testing. Allele origin: germline.

Blueprint Genetics
Classification: Uncertain significance. Last evaluated: 2024-11-27. Review status: criteria provided, single submitter. Criteria: ACMG Guidelines, 2015. Collection method: clinical testing. Allele origin: germline.

Labcorp Genetics (formerly Invitae), Labcorp
Classification: Uncertain significance for Immunodeficiency 51. Last evaluated: 2021-08-31. Review status: criteria provided, single submitter. Criteria: Invitae Variant Classification Sherloc (09022015). Collection method: clinical testing. Allele origin: germline.
Comment: This sequence change replaces glutamic acid with lysine at codon 814 of the IL17RA protein (p.Glu814Lys). The glutamic acid residue is moderately conserved and there is a small physicochemical difference between glutamic acid and lysine. This variant is present in population databases (rs758565677, ExAC 0.06%). This variant has not been reported in the literature in individuals affected with IL17RA-related conditions. Algorithms developed to predict the effect of missense changes on protein structure and function are either unavailable or do not agree on the potential impact of this missense change (SIFT: "Deleterious"; PolyPhen-2: "Benign"; Align-GVGD: "Class C0"). In summary, the available evidence is currently insufficient to determine the role of this variant in disease. Therefore, it has been classified as a Variant of Uncertain Significance.

NM_014339.7(IL17RA):c.2440G>A (p.Glu814Lys)

Gene: IL17RA (interleukin 17 receptor A; plus strand). Cytogenetic location: 22q11.1.
Variant type: single nucleotide variant.
Coding change: c.2440G>A on transcript NM_014339.7 (MANE Select); coding-DNA position 2440, G replaced by A.
Protein change: p.Glu814Lys; replaces glutamic acid 814 with lysine.
Molecular consequence: missense variant.
Genome position (GRCh38, 1-based): chr22:17,109,659, G>A. VCF-style: chr22-17109659-G-A. GRCh37 (hg19) VCF-style: chr22-17590549-G-A.
Other names: c.2338G>A, p.Glu780Lys (NM_001289905.2); c.2440G>A (NM_014339.5); short protein forms E780K, E814K.
Identifiers: ClinVar variation 665316 (VCV000665316.8), dbSNP rs758565677, ClinGen allele CA10086993.